The following is an entry in ClinVar:

NM_014159.7(SETD2):c.6445C>A (p.Pro2149Thr)

Gene: SETD2 (SET domain containing 2, histone lysine methyltransferase; minus strand). Cytogenetic location: 3p21.31.
Variant type: single nucleotide variant.
Coding change: c.6445C>A on transcript NM_014159.7 (MANE Select); coding-DNA position 6445, C replaced by A.
Protein change: p.Pro2149Thr; replaces proline 2149 with threonine.
Molecular consequence: missense variant. On other transcripts: non-coding transcript variant (1).
Genome position (GRCh38, 1-based): chr3:47,057,339, G>T on the plus strand (C>A on the coding strand, the complement: SETD2 is on the minus strand). VCF-style: chr3-47057339-G-T. GRCh37 (hg19) VCF-style: chr3-47098829-G-T.
Other names: c.6313C>A, p.Pro2105Thr (NM_001349370.3); short protein forms P2105T, P2149T.
Identifiers: ClinVar variation 2573740 (VCV002573740.1), dbSNP rs2040127874, ClinGen allele CA352521057.

ClinVar aggregate classification (germline): Uncertain significance (1 of 4 stars; one submission).

Allele frequency attached by ClinVar (database versions not stated): gnomAD 0.00001.
gnomAD v4.1: 1 of 1,614,098 alleles (0.000062%); highest among the groups gnomAD compares: African/African-American, 0.0013%; no homozygotes.

Submission:

GeneDx
Classification: Uncertain significance. Last evaluated: 2023-07-23. Review status: criteria provided, single submitter. Criteria: GeneDx Variant Classification Process June 2021. Collection method: clinical testing. Allele origin: germline. Affected: yes.
Comment: Not observed in large population cohorts (gnomAD); In silico analysis supports that this missense variant does not alter protein structure/function; Has not been previously published as pathogenic or benign to our knowledge